The following is an entry in ClinVar:

ClinVar aggregate classification (germline): Likely pathogenic (1 of 4 stars; one submission).

Conditions:
SPTB-related disorder. Also called: SPTB-Related Disorders; SPTB-related condition.

Submission:

PreventionGenetics, part of Exact Sciences
Classification: Likely pathogenic for SPTB-related condition. Last evaluated: 2025-12-29. Review status: criteria provided, single submitter. Criteria: ACMG Guidelines, 2015. Collection method: clinical testing. Allele origin: germline.
Comment: The SPTB c.4279C>T variant is predicted to result in premature protein termination (p.Gln1427*). To our knowledge, this variant has not been reported in the literature or in a large population database (gnomAD), indicating this variant is rare. Nonsense variants in SPTB are expected to be pathogenic. This variant is interpreted as likely pathogenic.

NM_001355436.2(SPTB):c.4279C>T (p.Gln1427Ter)

Gene: SPTB (spectrin beta, erythrocytic; minus strand). Cytogenetic location: 14q23.3.
Variant type: single nucleotide variant.
Coding change: c.4279C>T on transcript NM_001355436.2 (MANE Select); coding-DNA position 4279, C replaced by T.
Protein change: p.Gln1427Ter; replaces glutamine 1427 with a stop codon.
Molecular consequence: nonsense.
Genome position (GRCh38, 1-based): chr14:64,779,919, G>A on the plus strand (C>T on the coding strand, the complement: SPTB is on the minus strand). VCF-style: chr14-64779919-G-A. GRCh37 (hg19) VCF-style: chr14-65246637-G-A.
Other names: c.4279C>T, p.Gln1427Ter (NM_001024858.4, NM_001355437.2); short protein forms Q1427*.
Identifiers: ClinVar variation 4995008 (VCV004995008.1).